The following is an entry in ClinVar:

ClinVar aggregate classification (germline): Uncertain significance. Review status: criteria provided, multiple submitters, no conflicts (2 of 4 stars). 2 submissions from 2 submitters: Uncertain significance (2). Last evaluated 2024-03-06.

Conditions:
Familial thoracic aortic aneurysm and aortic dissection (TAAD). Also called: Thoracic aortic aneurysms and dissections. Identifiers: Orphanet 91387, MedGen C4707243, MONDO:0019625.
Marfan syndrome (MFS). Also called: Marfan syndrome type 1; Marfan's syndrome; Marfan syndrome, classic; MARFAN SYNDROME, TYPE I; FBN1-Related Marfan Syndrome. Identifiers: Orphanet 284963, Orphanet 558, MedGen C0024796, MONDO:0007947, OMIM 154700.

Allele frequency attached by ClinVar (database versions not stated): gnomAD exomes below 0.00001.
gnomAD v4.1: 1 of 1,614,086 alleles (0.000062%); highest among the groups gnomAD compares: Non-Finnish European, 0.000085%; no homozygotes.

Submissions (2):

Color Diagnostics, LLC DBA Color Health
Classification: Uncertain significance for Familial thoracic aortic aneurysm and aortic dissection. Last evaluated: 2024-03-06. Review status: criteria provided, single submitter. Criteria: ACMG Guidelines, 2015. Collection method: clinical testing. Allele origin: germline.
Comment: This missense variant replaces glutamine with arginine at codon 1618 of the FBN1 protein. Computational prediction suggests that this variant may have deleterious impact on protein structure and function (internally defined REVEL score threshold >= 0.7, PMID: 27666373). To our knowledge, functional studies have not been reported for this variant. This variant has not been reported in individuals affected with FBN1-related disorders in the literature. This variant has not been identified in the general population by the Genome Aggregation Database (gnomAD). The available evidence is insufficient to determine the role of this variant in disease conclusively. Therefore, this variant is classified as a Variant of Uncertain Significance.

All of Us Research Program, National Institutes of Health
Classification: Uncertain significance for Marfan syndrome. Last evaluated: 2023-08-15. Review status: criteria provided, single submitter. Criteria: ACMG Guidelines, 2015. Collection method: clinical testing. Allele origin: germline. Inheritance: Autosomal dominant inheritance. Observed: 1 variant allele, 1 heterozygote.
Comment: This missense variant replaces glutamine with arginine at codon 1618 of the FBN1 protein. Computational prediction suggests that this variant may have deleterious impact on protein structure and function (internally defined REVEL score threshold >= 0.7, PMID: 27666373). To our knowledge, functional studies have not been reported for this variant. This variant has not been reported in individuals affected with cardiovascular disorders in the literature. This variant has not been identified in the general population by the Genome Aggregation Database (gnomAD). The available evidence is insufficient to determine the role of this variant in disease conclusively. Therefore, this variant is classified as a Variant of Uncertain Significance.

This study involves interpretation of variants in research participants for the purpose of population health screening. Participant phenotype was not available at the time of variant classification. Additional details can be found in publication PMID: 35346344, PMCID: PMC8962531

NM_000138.5(FBN1):c.4853A>G (p.Gln1618Arg)

Gene: FBN1 (fibrillin 1; minus strand). Cytogenetic location: 15q21.1.
Variant type: single nucleotide variant.
Coding change: c.4853A>G on transcript NM_000138.5 (MANE Select); coding-DNA position 4853, A replaced by G.
Protein change: p.Gln1618Arg; replaces glutamine 1618 with arginine.
Molecular consequence: missense variant.
Genome position (GRCh38, 1-based): chr15:48,465,657, T>C on the plus strand (A>G on the coding strand, the complement: FBN1 is on the minus strand). VCF-style: chr15-48465657-T-C. GRCh37 (hg19) VCF-style: chr15-48757854-T-C.
Other names: short protein forms Q1618R.
Identifiers: ClinVar variation 1172091 (VCV001172091.5), dbSNP rs2043314733, ClinGen allele CA392351274.
Genomic context (GRCh38, chr15:48,465,657, plus strand): 5'-TAGTAGCCGGTTGGACAGCGGCACTGGAAACTCCCAAAGGTGTTGATACATTTTCCTCCT[T>C]GGCACAGCCCTGGTAGCTCCTGGCACTCATCAATATCTATCAAAATCAAAACAAAGGCAT-3'
Protein context (NP_000129.3, residues 1608-1628): DECQELPGLC[Gln1618Arg]GGKCINTFGS